The following is an entry in ClinVar:

ClinVar aggregate classification (germline): Conflicting classifications of pathogenicity. Review status: criteria provided, conflicting classifications (1 of 4 stars). 3 submissions from 3 submitters: Uncertain significance (1); Likely benign (1). 1 of the submissions does not count toward it. Last evaluated 2022-07-14.

Conditions:
PIBF1-related disorder. Also called: PIBF1-related condition.
Inborn genetic diseases. Identifiers: MedGen C0950123, MeSH D030342.
Joubert syndrome 33. Identifiers: MedGen C4540389, MONDO:0033311, OMIM 617767.

Allele frequency attached by ClinVar (database versions not stated): gnomAD exomes 0.00002; ExAC 0.00015; gnomAD 0.00016; TOPMed 0.00018; 1000 Genomes Project 30x 0.00031; 1000 Genomes Project 0.00040.
gnomAD v4.1: 136 of 1,573,402 alleles (0.0086%); highest among the groups gnomAD compares: East Asian, 0.1%; 4 homozygotes.

Submissions (3):

Ambry Genetics
Classification: Likely benign for Inborn genetic diseases. Last evaluated: 2022-07-14. Review status: criteria provided, single submitter. Criteria: Ambry Variant Classification Scheme 2023. Collection method: clinical testing. Allele origin: germline.

Revvity Omics, Revvity
Classification: Uncertain significance for Joubert syndrome 33. Last evaluated: 2021-08-02. Review status: criteria provided, single submitter. Criteria: ACMG Guidelines, 2015. Collection method: clinical testing. Allele origin: germline.

PreventionGenetics, part of Exact Sciences
Classification: Likely benign for PIBF1-related condition. Last evaluated: 2023-03-13. Review status: no assertion criteria provided. Collection method: clinical testing. Allele origin: germline. Not counted in ClinVar's aggregate classification.
Comment: This variant is classified as likely benign based on ACMG/AMP sequence variant interpretation guidelines (Richards et al. 2015 PMID: 25741868, with internal and published modifications).

NM_006346.4(PIBF1):c.1124A>G (p.Asn375Ser)

Gene: PIBF1 (progesterone immunomodulatory binding factor 1; plus strand). Cytogenetic location: 13q22.1.
Variant type: single nucleotide variant.
Coding change: c.1124A>G on transcript NM_006346.4 (MANE Select); coding-DNA position 1124, A replaced by G.
Protein change: p.Asn375Ser; replaces asparagine 375 with serine.
Molecular consequence: missense variant. On other transcripts: non-coding transcript variant (2).
Genome position (GRCh38, 1-based): chr13:72,835,269, A>G. VCF-style: chr13-72835269-A-G. GRCh37 (hg19) VCF-style: chr13-73409407-A-G.
Other names: c.1124A>G, p.Asn375Ser (NM_001349655.2); short protein forms N375S.
Identifiers: ClinVar variation 2399309 (VCV002399309.7), dbSNP rs376306777, ClinGen allele CA7002152.
Genomic context (GRCh38, chr13:72,835,269, plus strand): 5'-AAAATTTATGGTTGTTCCTTTTCACTCCTTGCAGAGACCATTATAAAACAGAATATGAAA[A>G]TAAACTACATGATGAACTAGAACAAATCAGATTGAAAACCAACCAAGAAATTGATCAACT-3'
Protein context (NP_006337.2, residues 365-385): SRDHYKTEYE[Asn375Ser]KLHDELEQIR